The following is an entry in ClinVar:

ClinVar aggregate classification (germline): Uncertain significance. Review status: criteria provided, single submitter (1 of 4 stars). 2 submissions from 2 submitters: Uncertain significance (1). 1 of the submissions does not count toward it. Last evaluated 2025-12-09.

Conditions:
Cardiomyopathy (CMYO). Also called: Cardiomyopathies. Identifiers: Orphanet 167848, MedGen C0878544, MONDO:0004994, HP:0001638. Inheritance: Various modes of inheritance.
Dystrophin deficiency.
Duchenne muscular dystrophy (DMD). Also called: MUSCULAR DYSTROPHY, PSEUDOHYPERTROPHIC PROGRESSIVE, DUCHENNE TYPE; Duchenne Muscular Dystrophy (DMD). Identifiers: Orphanet 98896, MedGen C0013264, MONDO:0010679, OMIM 310200.
Becker muscular dystrophy (BMD). Also called: Becker Muscular Dystrophy (BMD); MUSCULAR DYSTROPHY, PSEUDOHYPERTROPHIC PROGRESSIVE, BECKER TYPE. Identifiers: Orphanet 98895, MedGen C0917713, MONDO:0010311, OMIM 300376.

Submissions (2):

Labcorp Genetics (formerly Invitae), Labcorp
Classification: Uncertain significance for Duchenne muscular dystrophy. Last evaluated: 2025-12-09. Review status: criteria provided, single submitter. Criteria: Invitae Variant Classification Sherloc (09022015). Collection method: clinical testing. Allele origin: germline.
Comment: This sequence change replaces proline, which is neutral and non-polar, with threonine, which is neutral and polar, at codon 240 of the DMD protein (p.Pro240Thr). This variant is not present in population databases (gnomAD no frequency). This variant has not been reported in the literature in individuals affected with DMD-related conditions. ClinVar contains an entry for this variant (Variation ID: 1040758). Invitae Evidence Modeling of protein sequence and biophysical properties (such as structural, functional, and spatial information, amino acid conservation, physicochemical variation, residue mobility, and thermodynamic stability) indicates that this missense variant is not expected to disrupt DMD protein function with a negative predictive value of 95%. In summary, the available evidence is currently insufficient to determine the role of this variant in disease. Therefore, it has been classified as a Variant of Uncertain Significance.

Natera, Inc.
Classification: Uncertain significance for Becker muscular dystrophy; Cardiomyopathy; Duchenne muscular dystrophy; Dystrophin deficiency. Last evaluated: 2021-06-10. Review status: no assertion criteria provided. Collection method: clinical testing. Allele origin: germline. Not counted in ClinVar's aggregate classification.

NM_004006.3(DMD):c.718C>A (p.Pro240Thr)

Gene: DMD (dystrophin; minus strand). Cytogenetic location: Xp21.1.
Variant type: single nucleotide variant.
Coding change: c.718C>A on transcript NM_004006.3 (MANE Select); coding-DNA position 718, C replaced by A.
Protein change: p.Pro240Thr; replaces proline 240 with threonine.
Molecular consequence: missense variant.
Genome position (GRCh38, 1-based): chrX:32,699,225, G>T on the plus strand (C>A on the coding strand, the complement: DMD is on the minus strand). VCF-style: chrX-32699225-G-T. GRCh37 (hg19) VCF-style: chrX-32717342-G-T.
Other names: c.694C>A, p.Pro232Thr (NM_000109.4); c.706C>A, p.Pro236Thr (NM_004009.3); c.349C>A, p.Pro117Thr (NM_004010.3); short protein forms P236T, P117T, P232T, P240T.
Identifiers: ClinVar variation 1040758 (VCV001040758.10), dbSNP rs2063897942, ClinGen allele CA412669038.